The following is an entry in ClinVar:

NM_004859.4(CLTC):c.42+4C>A

Gene: CLTC (clathrin heavy chain; plus strand). Cytogenetic location: 17q23.1.
Variant type: single nucleotide variant.
Coding change: c.42+4C>A on transcript NM_004859.4 (MANE Select); 4 bases into the intron after coding-DNA position 42, C replaced by A.
Molecular consequence: intron variant.
Genome position (GRCh38, 1-based): chr17:59,620,177, C>A. VCF-style: chr17-59620177-C-A. GRCh37 (hg19) VCF-style: chr17-57697538-C-A.
Other names: c.42+4C>A (NM_001288653.2).
Identifiers: ClinVar variation 2416984 (VCV002416984.6), dbSNP rs749139099, ClinGen allele CA8680958.

ClinVar aggregate classification (germline): Uncertain significance (1 of 4 stars; one submission).

Allele frequency attached by ClinVar (database versions not stated): TOPMed 0.00001; ExAC 0.00002; gnomAD 0.00002; gnomAD exomes 0.00004.

Submission:

Labcorp Genetics (formerly Invitae), Labcorp
Classification: Uncertain significance. Last evaluated: 2025-02-02. Review status: criteria provided, single submitter. Criteria: Invitae Variant Classification Sherloc (09022015). Collection method: clinical testing. Allele origin: germline.
Comment: This sequence change falls in intron 1 of the CLTC gene. It does not directly change the encoded amino acid sequence of the CLTC protein. It affects a nucleotide within the consensus splice site. This variant is present in population databases (rs749139099, gnomAD 0.007%). This variant has not been reported in the literature in individuals affected with CLTC-related conditions. ClinVar contains an entry for this variant (Variation ID: 2416984). Variants that disrupt the consensus splice site are a relatively common cause of aberrant splicing (PMID: 17576681, 9536098). Algorithms developed to predict the effect of sequence changes on RNA splicing suggest that this variant is not likely to affect RNA splicing. In summary, the available evidence is currently insufficient to determine the role of this variant in disease. Therefore, it has been classified as a Variant of Uncertain Significance.

Literature cited by the submitters: PubMed 17576681; PubMed 9536098.